The following is an entry in ClinVar:

ClinVar aggregate classification (germline): Uncertain significance (1 of 4 stars; one submission).

Allele frequency attached by ClinVar (database versions not stated): gnomAD exomes 0.00001; ExAC 0.00002; TOPMed 0.00003; gnomAD 0.00004; ESP Exome Variant Server 0.00008.
gnomAD v4.1: 15 of 1,613,384 alleles (0.00093%); highest among the groups gnomAD compares: African/African-American, 0.011%; no homozygotes.

Submission:

Labcorp Genetics (formerly Invitae), Labcorp
Classification: Uncertain significance. Last evaluated: 2025-12-02. Review status: criteria provided, single submitter. Criteria: Invitae Variant Classification Sherloc (09022015). Collection method: clinical testing. Allele origin: germline.
Comment: This sequence change replaces arginine, which is basic and polar, with tryptophan, which is neutral and slightly polar, at codon 427 of the AP3D1 protein (p.Arg427Trp). This variant is present in population databases (rs372956453, gnomAD 0.02%). This variant has not been reported in the literature in individuals affected with AP3D1-related conditions. ClinVar contains an entry for this variant (Variation ID: 1440961). An algorithm developed to predict the effect of missense changes on protein structure and function (PolyPhen-2) suggests that this variant is likely to be disruptive. In summary, the available evidence is currently insufficient to determine the role of this variant in disease. Therefore, it has been classified as a Variant of Uncertain Significance.

NM_001261826.3(AP3D1):c.1279C>T (p.Arg427Trp)

Gene: AP3D1 (adaptor related protein complex 3 subunit delta 1; minus strand). Cytogenetic location: 19p13.3.
Variant type: single nucleotide variant.
Coding change: c.1279C>T on transcript NM_001261826.3 (MANE Select); coding-DNA position 1279, C replaced by T.
Protein change: p.Arg427Trp; replaces arginine 427 with tryptophan.
Molecular consequence: missense variant.
Genome position (GRCh38, 1-based): chr19:2,121,064, G>A on the plus strand (C>T on the coding strand, the complement: AP3D1 is on the minus strand). VCF-style: chr19-2121064-G-A. GRCh37 (hg19) VCF-style: chr19-2121063-G-A.
Other names: c.1279C>T, p.Arg427Trp (NM_001374799.1, NM_003938.8); short protein forms R427W.
Identifiers: ClinVar variation 1440961 (VCV001440961.6), dbSNP rs372956453, ClinGen allele CA9059357.